The following is an entry in ClinVar:

ClinVar aggregate classification (germline): Pathogenic/Likely pathogenic. Review status: criteria provided, multiple submitters, no conflicts (2 of 4 stars). 2 submissions from 2 submitters: Pathogenic (1); Likely pathogenic (1). Last evaluated 2025-05-26.

Conditions:
Methylmalonic aciduria due to complete methylmalonyl-CoA mutase deficiency.
Methylmalonic acidemia (MMA). Also called: Isolated Methylmalonic Acidemia. Identifiers: MedGen C0268583, MeSH C537358, MONDO:0002012, HP:0002912.

Allele frequency attached by ClinVar (database versions not stated): gnomAD exomes below 0.00001.

Submissions (2):

Natera, Inc.
Classification: Likely pathogenic for Methylmalonic aciduria due to complete methylmalonyl-CoA mutase deficiency. Last evaluated: 2025-05-26. Review status: criteria provided, single submitter. Criteria: Natera Variant Classification Schema (03/2026). Collection method: clinical testing. Allele origin: germline.
Comment: The c.2098_2099del variant in MMUT is a frameshift variant predicted to shift the reading frame beginning at codon 700 and leads to a stop codon 11 codons downstream. This variant is expected to result in nonsense mediated decay, truncation, or a dysfunctional protein product. This variant is rare in the general population with a frequency below the threshold expected for the associated phenotype(s). This variant has been observed in one or more individuals affected with the associated recessive disease, as either homozygous or compound heterozygous with a second variant (PMID: 17075691). Given the available evidence, this variant is classified as Likely Pathogenic.

Women's Health and Genetics/Laboratory Corporation of America, LabCorp
Classification: Pathogenic for Methylmalonic acidemia. Last evaluated: 2022-03-16. Review status: criteria provided, single submitter. Criteria: LabCorp Variant Classification Summary - May 2015. Collection method: clinical testing. Allele origin: germline.
Comment: Variant summary: MUT c.2098_2099delAT (p.Met700ValfsX11) results in a premature termination codon, predicted to cause a truncation of the encoded protein or absence of the protein due to nonsense mediated decay, which are commonly known mechanisms for disease. Truncations downstream of this position have been classified as pathogenic by our laboratory. The variant was absent in 251394 control chromosomes. c.2098_2099delAT has been reported in the literature in individuals affected with Methylmalonic Acidemia (Sakamoto_2007). To our knowledge, no experimental evidence demonstrating an impact on protein function has been reported. No clinical diagnostic laboratories have submitted clinical-significance assessments for this variant to ClinVar after 2014. Based on the evidence outlined above, the variant was classified as pathogenic.

Literature cited by the submitters: PubMed 17075691 (cited by Natera, Inc. and Women's Health and Genetics/Laboratory Corporation of America, LabCorp); PubMed 27233228 (cited by Women's Health and Genetics/Laboratory Corporation of America, LabCorp).

NM_000255.4(MMUT):c.2098_2099del (p.Met700fs)

Gene: MMUT (methylmalonyl-CoA mutase; minus strand). Cytogenetic location: 6p12.3.
Variant type: Deletion.
Coding change: c.2098_2099del on transcript NM_000255.4 (MANE Select); coding-DNA positions 2098 to 2099, 2 bases deleted (AT; older notation c.2098_2099delAT).
Protein change: p.Met700fs; shifts the reading frame from methionine 700.
Molecular consequence: frameshift variant.
Genome position (GRCh38, 1-based): chr6:49,435,481-49,435,482, AT deleted on the plus strand (AT on the coding strand, the reverse complement: MMUT is on the minus strand). VCF-style (leftmost placement, unchanged base first): chr6-49435480-CAT-C. GRCh37 (hg19) VCF-style: chr6-49403193-CAT-C.
Other names: c.2098_2099del (NM_000255.3); c.2098_2099delAT (NM_000255.3); short protein forms M700fs.
Identifiers: ClinVar variation 1677118 (VCV001677118.3), dbSNP rs1767096752, ClinGen allele CA1627377505.
Genomic context (GRCh38, chr6:49,435,480, plus strand): 5'-CCATCACAGTACTAGAAAAATAGAGATAAAAAATACCTGAGGTGGTATCACCCCTCCACA[CAT>C]GACAAGAATATCTGGCCGTCCAAGGGAGTTAAGTTCTTTGATGAGTTCAGGAACTAGGGT-3'